The following is an entry in ClinVar:

NM_000181.4(GUSB):c.1623T>A (p.Tyr541Ter)

Genes: GUSB (glucuronidase beta; minus strand), LOC126860055 (MED14-independent group 3 enhancer GRCh37_chr7:65432190-65433389; plus strand). Cytogenetic location: 7q11.21.
Variant type: single nucleotide variant.
Coding change: c.1623T>A on transcript NM_000181.4 (MANE Select); coding-DNA position 1623, T replaced by A.
Protein change: p.Tyr541Ter; replaces tyrosine 541 with a stop codon.
Molecular consequence: nonsense. On other transcripts: non-coding transcript variant (1).
Genome position (GRCh38, 1-based): chr7:65,967,761, A>T on the plus strand (T>A on the coding strand, the complement: GUSB is on the minus strand). VCF-style: chr7-65967761-A-T. GRCh37 (hg19) VCF-style: chr7-65432748-A-T.
Other names: c.1185T>A, p.Tyr395Ter (NM_001284290.2); c.1053T>A, p.Tyr351Ter (NM_001293104.2); c.966T>A, p.Tyr322Ter (NM_001293105.2); short protein forms Y395*, Y541*, Y322*, Y351*.
Identifiers: ClinVar variation 3594740 (VCV003594740.2).

ClinVar aggregate classification (germline): Pathogenic/Likely pathogenic. Review status: criteria provided, multiple submitters, no conflicts (2 of 4 stars). 2 submissions from 2 submitters: Pathogenic (1); Likely pathogenic (1). Last evaluated 2025-06-30.

Conditions:
Mucopolysaccharidosis type 7 (MPS7). Also called: SLY SYNDROME; BETA-GLUCURONIDASE DEFICIENCY; MPS VII; GUSB DEFICIENCY. Identifiers: Orphanet 584, MedGen C0085132, MONDO:0009662, OMIM 253220.

gnomAD v4.1: 1 of 1,613,806 alleles (0.000062%); highest among the groups gnomAD compares: Non-Finnish European, 0.000085%; no homozygotes.

Submissions (2):

Women's Health and Genetics/Laboratory Corporation of America, LabCorp
Classification: Pathogenic for Mucopolysaccharidosis type 7. Last evaluated: 2025-06-30. Review status: criteria provided, single submitter. Criteria: LabCorp Variant Classification Summary - May 2015. Collection method: clinical testing. Allele origin: germline.
Comment: Variant summary: GUSB c.1623T>A (p.Tyr541X) results in a premature termination codon, predicted to cause a truncation of the encoded protein or absence of the protein due to nonsense mediated decay, which are commonly known mechanisms for disease. The variant was absent in 251238 control chromosomes. To our knowledge, no occurrence of c.1623T>A in individuals affected with Mucopolysaccharidosis Type VII (Sly Syndrome) and no experimental evidence demonstrating its impact on protein function have been reported. ClinVar contains an entry for this variant (Variation ID: 3594740). Based on the evidence outlined above, the variant was classified as pathogenic.

Fulgent Genetics
Classification: Likely pathogenic for Mucopolysaccharidosis type 7. Last evaluated: 2024-06-10. Review status: criteria provided, single submitter. Criteria: ACMG Guidelines, 2015. Collection method: clinical testing. Allele origin: germline.